The following is an entry in ClinVar:

ClinVar aggregate classification (germline): Uncertain significance (1 of 4 stars; one submission).

Conditions:
Malignant hyperthermia, susceptibility to, 1 (MHS1). Also called: RYR1-Related Malignant Hyperthermia Susceptibility; Malignant hyperthermia suceptibility 1; Anesthesia related hyperthermia; Malignant hyperpyrexia; Fulminating hyperpyrexia; Pharmacogenic myopathy. Identifiers: Orphanet 423, MedGen C2930980, MONDO:0007783, OMIM 145600.

Submission:

Color Diagnostics, LLC DBA Color Health
Classification: Uncertain significance for Malignant hyperthermia, susceptibility to, 1. Last evaluated: 2025-09-29. Review status: criteria provided, single submitter. Criteria: ACMG Guidelines, 2015. Collection method: clinical testing. Allele origin: germline.
Comment: This variant causes a C to A nucleotide substitution at the +5 position of intron 79 of the RYR1 gene. To our knowledge, functional studies have not been reported for this variant. This variant has not been reported in individuals affected with RYR1-related disorders in the literature. This variant has not been identified in the general population by the Genome Aggregation Database (gnomAD). The available evidence is insufficient to determine the role of this variant in disease conclusively. Therefore, this variant is classified as a Variant of Uncertain Significance.

NM_000540.3(RYR1):c.11359+5C>A

Gene: RYR1 (ryanodine receptor 1; plus strand). Cytogenetic location: 19q13.2.
Variant type: single nucleotide variant.
Coding change: c.11359+5C>A on transcript NM_000540.3 (MANE Select); 5 bases into the intron after coding-DNA position 11359, C replaced by A.
Molecular consequence: intron variant.
Genome position (GRCh38, 1-based): chr19:38,534,824, C>A. VCF-style: chr19-38534824-C-A. GRCh37 (hg19) VCF-style: chr19-39025464-C-A.
Other names: c.11344+5C>A (NM_001042723.2).
Identifiers: ClinVar variation 4758085 (VCV004758085.1).